The following is an entry in ClinVar:

NM_001370259.2(MEN1):c.266_286del (p.Leu89_Ala95del)

Gene: MEN1 (menin 1; minus strand). Cytogenetic location: 11q13.1.
Variant type: Deletion.
Coding change: c.266_286del on transcript NM_001370259.2 (MANE Select); coding-DNA positions 266 to 286, 21 bases deleted (TCTATGCCCGCTTCACCGCCC).
Protein change: p.Leu89_Ala95del.
Molecular consequence: inframe deletion.
Genome position (GRCh38, 1-based): chr11:64,809,824-64,809,844, GGGCGGTGAAGCGGGCATAGA deleted on the plus strand (TCTATGCCCGCTTCACCGCCC on the coding strand, the reverse complement: MEN1 is on the minus strand); deleting any 21 consecutive bases within chr11:64,809,824-64,809,850 gives the same sequence; the c. name uses the placement nearest the transcript's 3' end. VCF-style (leftmost placement, unchanged base first): chr11-64809823-TGGGCGGTGAAGCGGGCATAGA-T. GRCh37 (hg19) VCF-style: chr11-64577295-TGGGCGGTGAAGCGGGCATAGA-T.
Other names: c.266_286del, p.Leu89_Ala95del (NM_130802.3, NM_130803.3, NM_130804.3 and 9 more transcripts); c.266_286delTCTATGCCCGCTTCACCGCCC (NM_130799.2); c.266_286del21 (NM_130799.2).
Identifiers: ClinVar variation 403805 (VCV000403805.11), dbSNP rs1064792906, ClinGen allele CA16613478.
Genomic context (GRCh38, chr11:64,809,823, plus strand): 5'-TCACGGCTGGAGACACCCCCTTCTCGAGGATAGAGGGACAGGTCGACGGCGCCTCGGATC[TGGGCGGTGAAGCGGGCATAGA>T]GGGCGGCGATGATAGACAGGTCGGCCACGGGAAAGTAGGTGAGGCCGCCAGGCGGGTCGG-3'

ClinVar aggregate classification (germline): Conflicting classifications of pathogenicity. Review status: criteria provided, conflicting classifications (1 of 4 stars). 3 submissions from 3 submitters: Pathogenic (1); Likely pathogenic (1); Uncertain significance (1). Last evaluated 2025-08-21.

Conditions:
Hereditary cancer-predisposing syndrome. Also called: Tumor predisposition; Neoplastic Syndromes, Hereditary; Hereditary Cancer Syndrome; Hereditary neoplastic syndrome. Identifiers: Orphanet 140162, MedGen C0027672, MeSH D009386, MONDO:0015356.
Multiple endocrine neoplasia, type 1 (MEN1). Also called: MEN I; WERMER SYNDROME; Endocrine adenomatosis multiple; MEN 1; MEA I. Identifiers: Orphanet 652, MedGen C0025267, MeSH D018761, MONDO:0007540, OMIM 131100.

Submissions (3):

Labcorp Genetics (formerly Invitae), Labcorp
Classification: Pathogenic for Multiple endocrine neoplasia, type 1. Last evaluated: 2025-08-21. Review status: criteria provided, single submitter. Criteria: Invitae Variant Classification Sherloc (09022015). Collection method: clinical testing. Allele origin: germline.
Comment: This variant, c.266_286del, results in the deletion of 7 amino acid(s) of the MEN1 protein (p.Leu89_Ala95del), but otherwise preserves the integrity of the reading frame. This variant is not present in population databases (gnomAD no frequency). This variant has been observed in individual(s) with multiple endocrine neoplasia type 1 (PMID: 17555499). It has also been observed to segregate with disease in related individuals. This variant is also known as 375del21. ClinVar contains an entry for this variant (Variation ID: 403805). Experimental studies and prediction algorithms are not available or were not evaluated, and the functional significance of this variant is currently unknown. For these reasons, this variant has been classified as Pathogenic.

Ambry Genetics
Classification: Uncertain significance for Hereditary cancer-predisposing syndrome. Last evaluated: 2025-05-20. Review status: criteria provided, single submitter. Criteria: Ambry Variant Classification Scheme 2023. Collection method: clinical testing. Allele origin: germline.
Comment: The c.266_286del21 variant (also known as p.L89_A95del) is located in coding exon 1 of the MEN1 gene. This variant results from an in-frame deletion of 21 nucleotides at positions 266 to 286. This results in the in-frame deletion of 7 amino acids (LYARFTA) at codons 89 to 95. This variant was reported in individual(s) with features consistent with multiple endocrine neoplasia type 1 (MEN1) (Toledo RA et al. Clin Endocrinol (Oxf), 2007 Sep;67:377-84; Carvalho RA et al. Eur J Endocrinol, 2018 Dec;179:391-407). These amino acid positions are well conserved in available vertebrate species. In addition, this variant is predicted to be deleterious by in silico analysis (Choi Y et al. PLoS ONE. 2012; 7(10):e46688). Based on the available evidence, the clinical significance of this variant remains unclear.

GeneDx
Classification: Likely pathogenic. Last evaluated: 2016-12-14. Review status: criteria provided, single submitter. Criteria: GeneDx Variant Classification (06012015). Collection method: clinical testing. Allele origin: germline. Affected: yes.
Comment: The c.266_286del21 variant in the MEN1 gene has previously been reported in association with multiple endocrine neoplasia type 1 (Lourenco et al., 2007; Toledo et al., 2007; Coutinho et al., 2010). This variant was not observed in approximately 6,500 individuals of European and African American ancestry in the NHLBI Exome Sequencing Project, indicating it is not a common benign variant in these populations. The c.266_286del21 variant is an in-frame deletion that results in the loss of seven amino acids, denoted p.Leu89_Ala95del. Five of the deleted residues are conserved across species, and in silico analysis predicts this variant is probably damaging to the protein structure/function. Based on currently available evidence, c.266_286del21 is a strong candidate for a pathogenic variant. However, the possibility it is a rare benign variant cannot be excluded.

Literature cited by the submitters: PubMed 17555499 (cited by Labcorp Genetics (formerly Invitae), Labcorp and Ambry Genetics); PubMed 30324798 (cited by Ambry Genetics).